The following is an entry in ClinVar:

ClinVar aggregate classification (germline): Conflicting classifications of pathogenicity. Review status: criteria provided, conflicting classifications (1 of 4 stars). 5 submissions from 5 submitters: Uncertain significance (2); Likely benign (2). 1 of the submissions does not count toward it. Last evaluated 2026-01-21.

Conditions:
TMPO-related disorder. Also called: TMPO-related condition.
Loeys-Dietz syndrome 2 (LDS2). Also called: MARFAN SYNDROME, TYPE II; Marfan syndrome, type 2 (formerly); TGFBR2-Related Loeys-Dietz Syndrome; AORTIC ANEURYSM, FAMILIAL THORACIC 3; Marfan Syndrome type 2; Marfan like connective tissue disorder. Identifiers: Orphanet 284973, Orphanet 558, MedGen C2674574, MONDO:0012427, OMIM 610168.

Allele frequency attached by ClinVar (database versions not stated): 1000 Genomes Project 0.00040; ESP Exome Variant Server 0.00046; gnomAD 0.00060 and 0.00064; 1000 Genomes Project 30x 0.00062; TOPMed 0.00084; gnomAD exomes 0.00005 and 0.00014; ExAC 0.00023.
gnomAD v4.1: 169 of 1,609,244 alleles (0.011%); highest among the groups gnomAD compares: African/African-American, 0.19%; no homozygotes.

Submissions (5):

Labcorp Genetics (formerly Invitae), Labcorp
Classification: Likely benign for Loeys-Dietz syndrome 2. Last evaluated: 2026-01-21. Review status: criteria provided, single submitter. Criteria: Invitae Variant Classification Sherloc (09022015). Collection method: clinical testing. Allele origin: germline.

GeneDx
Classification: Likely benign. Last evaluated: 2019-12-10. Review status: criteria provided, single submitter. Criteria: GeneDx Variant Classification Process June 2021. Collection method: clinical testing. Allele origin: germline. Affected: yes.

Ambry Genetics
Classification: Uncertain significance. Last evaluated: 2017-02-17. Review status: criteria provided, single submitter. Criteria: Ambry Variant Classification Scheme 2023. Collection method: clinical testing. Allele origin: germline.
Comment: The p.A577V variant (also known as c.1730C>T), located in coding exon 4 of the TMPO gene, results from a C to T substitution at nucleotide position 1730. The alanine at codon 577 is replaced by valine, an amino acid with similar properties. This amino acid position is highly conserved in available vertebrate species. In addition, the in silico prediction for this alteration is inconclusive. Since supporting evidence is limited at this time, the clinical significance of this alteration remains unclear.

Laboratory for Molecular Medicine, Mass General Brigham Personalized Medicine
Classification: Uncertain significance. Last evaluated: 2015-01-29. Review status: criteria provided, single submitter. Criteria: LMM Criteria. Collection method: clinical testing. Allele origin: germline. Observed: 1 variant allele.
Comment: Variant classified as Uncertain Significance - Favor Benign. The p.Ala577Val var iant in TMPO has not been previously reported in individuals with cardiomyopathy , but has been identified in 0.2% (24/10554) of African chromosomes by the Exome Aggregation Consortium (ExAC; dbSNP rs34150443) . Computational prediction tools and conservation analysis suggest that this var iant may impact the protein, though this information is not predictive enough to determine pathogenicity. In summary, while the clinical significance of the p.A la577Val variant is uncertain, its frequency suggests that it is more likely to be benign.

PreventionGenetics, part of Exact Sciences
Classification: Likely benign for TMPO-related condition. Last evaluated: 2022-12-04. Review status: no assertion criteria provided. Collection method: clinical testing. Allele origin: germline. Not counted in ClinVar's aggregate classification.
Comment: This variant is classified as likely benign based on ACMG/AMP sequence variant interpretation guidelines (Richards et al. 2015 PMID: 25741868, with internal and published modifications).

NM_001032283.3(TMPO):c.565+2149C>T

Gene: TMPO (thymopoietin; plus strand). Cytogenetic location: 12q23.1.
Variant type: single nucleotide variant.
Coding change: c.565+2149C>T on transcript NM_001032283.3 (MANE Select); 2149 bases into the intron after coding-DNA position 565, C replaced by T.
Molecular consequence: intron variant. On other transcripts: missense variant (1).
Genome position (GRCh38, 1-based): chr12:98,533,987, C>T. VCF-style: chr12-98533987-C-T. GRCh37 (hg19) VCF-style: chr12-98927765-C-T.
Other names: c.1730C>T, p.Ala577Val (NM_003276.2); c.565+2149C>T (NM_001307975.2, NM_001032284.3); short protein forms A577V.
Identifiers: ClinVar variation 229322 (VCV000229322.25), dbSNP rs34150443, ClinGen allele CA6732469.